The following is an entry in ClinVar:

NC_000004.11:g.(?_52899577)_(52899826_?)del

Gene: SGCB (sarcoglycan beta; minus strand). Cytogenetic location: 4q12.
Variant type: Deletion.
Identifiers: ClinVar variation 2422616 (VCV002422616.5).

ClinVar aggregate classification (germline): Pathogenic (1 of 4 stars; one submission).

Conditions:
Autosomal recessive limb-girdle muscular dystrophy type 2E (LGMDR4). Also called: MUSCULAR DYSTROPHY, LIMB-GIRDLE, AUTOSOMAL RECESSIVE 4. Identifiers: Orphanet 119, MedGen C1858593, MONDO:0011423, OMIM 604286. Disease mechanism: Affects gamma-sarcoglycan and also disrupts the integrity of the entire sarcoglycan complex..

Submission:

Labcorp Genetics (formerly Invitae), Labcorp
Classification: Pathogenic for Autosomal recessive limb-girdle muscular dystrophy type 2E. Last evaluated: 2022-08-20. Review status: criteria provided, single submitter. Criteria: Invitae Variant Classification Sherloc (09022015). Collection method: clinical testing. Allele origin: germline.
Comment: This variant is a gross deletion of the genomic region encompassing exon(s) 2 of the SGCB gene. This variant would be expected to be in-frame, preserving the integrity of the reading frame. A similar copy number variant has been observed in individuals with autosomal recessive limb-girdle muscular dystrophy (PMID: 28687063, 28883879). It has also been observed to segregate with disease in related individuals. Experimental studies and prediction algorithms are not available or were not evaluated, and the functional significance of this variant is currently unknown. For these reasons, this variant has been classified as Pathogenic.

Literature cited by the submitters: PubMed 28687063; PubMed 28883879.